The following is an entry in ClinVar:

NM_004360.5(CDH1):c.2274A>G (p.Glu758=)

Gene: CDH1 (cadherin 1; plus strand). Cytogenetic location: 16q22.1.
Variant type: single nucleotide variant.
Coding change: c.2274A>G on transcript NM_004360.5 (MANE Select); coding-DNA position 2274, A replaced by G.
Protein change: p.Glu758=; no amino-acid change (glutamic acid 758 retained).
Molecular consequence: synonymous variant.
Genome position (GRCh38, 1-based): chr16:68,828,283, A>G. VCF-style: chr16-68828283-A-G. GRCh37 (hg19) VCF-style: chr16-68862186-A-G.
Other names: c.2091A>G, p.Glu697= (NM_001317184.2); c.726A>G, p.Glu242= (NM_001317185.2); c.309A>G, p.Glu103= (NM_001317186.2).
Identifiers: ClinVar variation 820931 (VCV000820931.6), dbSNP rs1596971032, ClinGen allele CA496157185.
Genomic context (GRCh38, chr16:68,828,283, plus strand): 5'-AGAGCCCTTACTGCCCCCAGAGGATGACACCCGGGACAACGTTTATTACTATGATGAAGA[A>G]GGAGGCGGAGAAGAGGACCAGGTGGGTTTTGAAAACCTTGGTAGCTCAGTGGTGATCTCT-3'
Protein context (NP_004351.1, residues 748-768): TRDNVYYYDE[Glu758=]GGGEEDQDFD

ClinVar aggregate classification (germline): Likely benign. Review status: criteria provided, multiple submitters, no conflicts (2 of 4 stars). 2 submissions from 2 submitters: Likely benign (2). Last evaluated 2026-04-01.

Conditions:
Hereditary cancer-predisposing syndrome. Also called: Tumor predisposition; Hereditary neoplastic syndrome; Neoplastic Syndromes, Hereditary; Hereditary Cancer Syndrome. Identifiers: Orphanet 140162, MedGen C0027672, MeSH D009386, MONDO:0015356.

Submissions (2):

CeGaT Center for Human Genetics Tuebingen
Classification: Likely benign. Last evaluated: 2026-04-01. Review status: criteria provided, single submitter. Criteria: CeGaT Center For Human Genetics Tuebingen Variant Classification Criteria Version 2. Collection method: clinical testing. Allele origin: germline. Affected: yes. Observed: 1 variant allele.
Comment: CDH1: PM2:Supporting, BP4, BP7

Ambry Genetics
Classification: Likely benign for Hereditary cancer-predisposing syndrome. Last evaluated: 2018-12-07. Review status: criteria provided, single submitter. Criteria: Ambry Variant Classification Scheme 2023. Collection method: clinical testing. Allele origin: germline.